The following is an entry in ClinVar:

ClinVar aggregate classification (germline): Conflicting classifications of pathogenicity. Review status: criteria provided, conflicting classifications (1 of 4 stars). 2 submissions from 2 submitters: Pathogenic (1); Uncertain significance (1). Last evaluated 2025-12-19.

Conditions:
Hereditary cancer-predisposing syndrome. Also called: Hereditary neoplastic syndrome; Neoplastic Syndromes, Hereditary; Tumor predisposition; Hereditary Cancer Syndrome. Identifiers: Orphanet 140162, MedGen C0027672, MeSH D009386, MONDO:0015356.

Submissions (2):

Labcorp Genetics (formerly Invitae), Labcorp
Classification: Pathogenic. Last evaluated: 2025-12-19. Review status: criteria provided, single submitter. Criteria: Invitae Variant Classification Sherloc (09022015). Collection method: clinical testing. Allele origin: germline.
Comment: This sequence change creates a premature translational stop signal (p.Thr1429delinsArgIle*) in the POLE gene. It is expected to result in an absent or disrupted protein product. Loss-of-function variants in POLE are known to be pathogenic (PMID: 23230001, 25948378, 30503519). This variant is present in population databases (no rsID available, gnomAD 0.002%). This variant has not been reported in the literature in individuals affected with POLE-related conditions. ClinVar contains an entry for this variant (Variation ID: 1003887). For these reasons, this variant has been classified as Pathogenic.

Ambry Genetics
Classification: Uncertain significance for Hereditary cancer-predisposing syndrome. Last evaluated: 2025-01-08. Review status: criteria provided, single submitter. Criteria: Ambry Variant Classification Scheme 2023. Collection method: clinical testing. Allele origin: germline.
Comment: The c.4275_4284dup10 variant, located in coding exon 33 of the POLE gene, results from a duplication of CGTATATGAG at nucleotide position 4275, causing a translational frameshift with a predicted alternate stop codon (p.T1429Rfs*3). This alteration is expected to result in loss of function by premature protein truncation or nonsense-mediated mRNA decay. Although biallelic loss of function of POLE has been associated with POLE deficiency, haploinsufficiency of POLE has not been established as a mechanism of disease for POLE-related polymerase proofreading-associated polyposis (PPAP) and POLE-related CMMRD-like syndrome. Based on the supporting evidence, this variant is expected to be causative of POLE deficiency when present along with a second pathogenic variant on the other allele; however, its clinical significance for POLE-related polymerase proofreading-associated polyposis (PPAP) and POLE-related CMMRD-like syndrome is unclear.

Literature cited by the submitters: PubMed 23230001 (cited by Labcorp Genetics (formerly Invitae), Labcorp); PubMed 25948378 (cited by Labcorp Genetics (formerly Invitae), Labcorp); PubMed 30503519 (cited by Labcorp Genetics (formerly Invitae), Labcorp).

NM_006231.4(POLE):c.4275_4284dup (p.Thr1429delinsArgIleTer)

Gene: POLE (DNA polymerase epsilon, catalytic subunit; minus strand). Cytogenetic location: 12q24.33.
Variant type: Duplication.
Coding change: c.4275_4284dup on transcript NM_006231.4 (MANE Select); coding-DNA positions 4275 to 4284, 10 bases duplicated (CGTATATGAG; older notation c.4275_4284dupCGTATATGAG).
Protein change: p.Thr1429delinsArgIleTer.
Molecular consequence: nonsense.
Genome position (GRCh38, 1-based): chr12:132,643,843-132,643,852, CTCATATACG duplicated on the plus strand (CGTATATGAG on the coding strand, the reverse complement: POLE is on the minus strand); duplicating any 10 consecutive bases within chr12:132,643,843-132,643,853 gives the same sequence; the c. name uses the placement nearest the transcript's 3' end. VCF-style (leftmost placement, unchanged base first): chr12-132643842-T-TCTCATATACG. GRCh37 (hg19) VCF-style: chr12-133220428-T-TCTCATATACG.
Other names: c.4275_4284dupCGTATATGAG (NM_006231.2).
Identifiers: ClinVar variation 1003887 (VCV001003887.9), dbSNP rs1565940240, ClinGen allele CA608514130.
Genomic context (GRCh38, chr12:132,643,842, plus strand): 5'-CATACCACCCTGCTGGAGCCTCCCCCAGTTCAGTCGAGGGTGGCTGGGGAGTCACCTGAG[T>TCTCATATACG]CTCATATACGCCCTCGATGTCTGGCGCTGACAGCTCAGCGTTGATCTCGTTGATGTGTTC-3'